The following is an entry in ClinVar:

NM_018646.6(TRPV6):c.896T>A (p.Leu299Gln)

Gene: TRPV6 (transient receptor potential cation channel subfamily V member 6; minus strand). Cytogenetic location: 7q34.
Variant type: single nucleotide variant.
Coding change: c.896T>A on transcript NM_018646.6 (MANE Select); coding-DNA position 896, T replaced by A.
Protein change: p.Leu299Gln; replaces leucine 299 with glutamine.
Molecular consequence: missense variant.
Genome position (GRCh38, 1-based): chr7:142,875,891, A>T on the plus strand (T>A on the coding strand, the complement: TRPV6 is on the minus strand). VCF-style: chr7-142875891-A-T. GRCh37 (hg19) VCF-style: chr7-142573644-A-T.
Other names: p.Leu299Gln; c.896T>A (NM_018646.5); short protein forms L299Q.
Identifiers: ClinVar variation 2658108 (VCV002658108.30), dbSNP rs151308770, ClinGen allele CA4532694.

ClinVar aggregate classification (germline): Conflicting classifications of pathogenicity. Review status: criteria provided, conflicting classifications (1 of 4 stars). 5 submissions from 5 submitters: Uncertain significance (1); Likely benign (4). Last evaluated 2026-07-01.

Conditions:
TRPV6-related disorder. Also called: TRPV6-related condition.

Allele frequency attached by ClinVar (database versions not stated): 1000 Genomes Project 0.00120; 1000 Genomes Project 30x 0.00156; ESP Exome Variant Server 0.00192; ExAC 0.00218; gnomAD 0.00238; TOPMed 0.00295; gnomAD exomes 0.00301.
gnomAD v4.1: 4,662 of 1,583,960 alleles (0.29%); highest among the groups gnomAD compares: Admixed American, 0.39%; 16 homozygotes.

Submissions (11):

CeGaT Center for Human Genetics Tuebingen
Classification: Likely benign. Last evaluated: 2026-07-01. Review status: criteria provided, single submitter. Criteria: CeGaT Center For Human Genetics Tuebingen Variant Classification Criteria Version 2. Collection method: clinical testing. Allele origin: germline. Affected: yes. Observed: 4 variant alleles.
Comment: TRPV6: BS2

Labcorp Genetics (formerly Invitae), Labcorp
Classification: Likely benign. Last evaluated: 2026-01-27. Review status: criteria provided, single submitter. Criteria: Invitae Variant Classification Sherloc (09022015). Collection method: clinical testing. Allele origin: germline.

Mayo Clinic Laboratories, Mayo Clinic
Classification: Uncertain significance. Last evaluated: 2025-10-08. Review status: criteria provided, single submitter. Criteria: ACMG Guidelines, 2015. Collection method: clinical testing. Allele origin: germline. Observed: 1 variant allele.
Comment: PP3_moderate

PreventionGenetics, part of Exact Sciences
Classification: Likely benign for TRPV6-related condition. Last evaluated: 2024-12-23. Review status: criteria provided, single submitter. Criteria: ACMG Guidelines, 2015. Collection method: clinical testing. Allele origin: germline.
Comment: This variant is classified as likely benign based on ACMG/AMP sequence variant interpretation guidelines (Richards et al. 2015 PMID: 25741868, with internal and published modifications).

Blueprint Genetics
Classification: Likely benign. Last evaluated: 2024-11-27. Review status: criteria provided, single submitter. Criteria: ACMG Guidelines, 2015. Collection method: clinical testing. Allele origin: germline.

Dr. Peter K. Rogan Lab, Western University
No classification provided (evidence only). Condition: Malignant tumor of urinary bladder. Review status: no classification provided. Collection method: in vitro. Allele origin: not applicable. Functional consequence: retained intron. Not counted in ClinVar's aggregate classification.

Dr. Peter K. Rogan Lab, Western University
No classification provided (evidence only). Condition: Clear cell carcinoma of kidney. Review status: no classification provided. Collection method: in vitro. Allele origin: not applicable. Functional consequence: retained intron. Not counted in ClinVar's aggregate classification.

Dr. Peter K. Rogan Lab, Western University
No classification provided (evidence only). Condition: Clear cell carcinoma of kidney. Review status: no classification provided. Collection method: in vitro. Allele origin: not applicable. Functional consequence: retained intron. Not counted in ClinVar's aggregate classification.

Dr. Peter K. Rogan Lab, Western University
No classification provided (evidence only). Condition: Cervical cancer. Review status: no classification provided. Collection method: in vitro. Allele origin: not applicable. Functional consequence: retained intron. Not counted in ClinVar's aggregate classification.

Dr. Peter K. Rogan Lab, Western University
No classification provided (evidence only). Condition: Sarcoma. Review status: no classification provided. Collection method: in vitro. Allele origin: not applicable. Functional consequence: retained intron. Not counted in ClinVar's aggregate classification.

Dr. Peter K. Rogan Lab, Western University
No classification provided (evidence only). Condition: Ovarian serous cystadenocarcinoma. Review status: no classification provided. Collection method: in vitro. Allele origin: not applicable. Functional consequence: retained intron. Not counted in ClinVar's aggregate classification.

Literature cited by the submitters: PubMed 31930989 (cited by Mayo Clinic Laboratories, Mayo Clinic); PubMed 34538581 (cited by Mayo Clinic Laboratories, Mayo Clinic).